The following is an entry in ClinVar:

NM_032578.4(MYPN):c.1012C>T (p.Arg338Cys)

Gene: MYPN (myopalladin; plus strand). Cytogenetic location: 10q21.3.
Variant type: single nucleotide variant.
Coding change: c.1012C>T on transcript NM_032578.4 (MANE Select); coding-DNA position 1012, C replaced by T.
Protein change: p.Arg338Cys; replaces arginine 338 with cysteine.
Molecular consequence: missense variant. On other transcripts: non-coding transcript variant (2).
Genome position (GRCh38, 1-based): chr10:68,143,049, C>T. VCF-style: chr10-68143049-C-T. GRCh37 (hg19) VCF-style: chr10-69902806-C-T.
Other names: p.R338C:CGC>TGC; c.1012C>T, p.Arg338Cys (NM_001256267.2); c.130C>T, p.Arg44Cys (NM_001256268.2); short protein forms R338C, R44C.
Identifiers: ClinVar variation 201882 (VCV000201882.18), dbSNP rs140037748, ClinGen allele CA335295.

ClinVar aggregate classification (germline): Uncertain significance. Review status: criteria provided, multiple submitters, no conflicts (2 of 4 stars). 8 submissions from 7 submitters: Uncertain significance (6). 2 of the submissions do not count toward it. Last evaluated 2026-09-04.

Conditions:
MYPN-related disorder. Also called: MYPN-related condition.
Dilated cardiomyopathy 1KK (CMD1KK). Identifiers: Orphanet 154, Orphanet 75249, MedGen C3714995, MONDO:0014100, OMIM 615248.
MYPN-related myopathy (CMYO24). Also called: Nemaline myopathy 11, autosomal recessive. Identifiers: MedGen C4479186, MONDO:0015023, OMIM 617336.
Cardiovascular phenotype. Identifiers: MedGen CN230736.
Left ventricular hypertrophy. Identifiers: MedGen C0149721, HP:0001712.
Left ventricular noncompaction cardiomyopathy. Also called: left ventricular non-compaction cardiomyopathy. Identifiers: MedGen C4021133, HP:0011664.

Allele frequency attached by ClinVar (database versions not stated): gnomAD exomes 0.00003 and 0.00006; ExAC 0.00005; gnomAD 0.00011; TOPMed 0.00012; ESP Exome Variant Server 0.00015; 1000 Genomes Project 30x 0.00031; 1000 Genomes Project 0.00040.
gnomAD v4.1: 66 of 1,614,098 alleles (0.0041%); highest among the groups gnomAD compares: African/African-American, 0.021%; no homozygotes.

Submissions (8):

PreventionGenetics, part of Exact Sciences
Classification: Uncertain significance for MYPN-related condition. Last evaluated: 2026-09-04. Review status: criteria provided, single submitter. Criteria: ACMG Guidelines, 2015. Collection method: clinical testing. Allele origin: germline.
Comment: The MYPN c.1012C>T variant is predicted to result in the amino acid substitution p.Arg338Cys. This variant has been reported in cohorts of individuals with hypertrophic cardiomyopathy or noncompaction cardiomyopathy (Online Table 3, van Waning et al. 2018. PubMed ID: 29447731; Micheu et al. 2020. PubMed ID: 33297573). This variant is reported in 0.032% of alleles in individuals of African descent in gnomAD. At this time, the clinical significance of this variant is uncertain due to the absence of conclusive functional and genetic evidence.

Labcorp Genetics (formerly Invitae), Labcorp
Classification: Uncertain significance for Dilated cardiomyopathy 1KK. Last evaluated: 2026-01-12. Review status: criteria provided, single submitter. Criteria: Invitae Variant Classification Sherloc (09022015). Collection method: clinical testing. Allele origin: germline.
Comment: This sequence change replaces arginine, which is basic and polar, with cysteine, which is neutral and slightly polar, at codon 338 of the MYPN protein (p.Arg338Cys). This variant is present in population databases (rs140037748, gnomAD 0.03%). This missense change has been observed in individual(s) with hypertrophic cardiomyopathy (PMID: 33297573). ClinVar contains an entry for this variant (Variation ID: 201882). An algorithm developed to predict the effect of missense changes on protein structure and function (PolyPhen-2) suggests that this variant is likely to be disruptive. In summary, the available evidence is currently insufficient to determine the role of this variant in disease. Therefore, it has been classified as a Variant of Uncertain Significance.

Ambry Genetics
Classification: Uncertain significance for Cardiovascular phenotype. Last evaluated: 2025-10-12. Review status: criteria provided, single submitter. Criteria: Ambry Variant Classification Scheme 2023. Collection method: clinical testing. Allele origin: germline.
Comment: The p.R338C variant (also known as c.1012C>T), located in coding exon 2 of the MYPN gene, results from a C to T substitution at nucleotide position 1012. The arginine at codon 338 is replaced by cysteine, an amino acid with highly dissimilar properties. This alteration has been reported in cardiomyopathy cohorts; however, clinical details were limited (van Waning JI et al. J Am Coll Cardiol, 2018 Feb;71:711-722; Bonaventura J et al. Arch Med Sci, 2019 May;15:641-649; van Lint FHM et al. Neth Heart J, 2019 Jun;27:304-309; Micheu MM et al. Diagnostics (Basel), 2020 Dec;10:[ePub ahead of print]). This amino acid position is highly conserved in available vertebrate species. In addition, this alteration is predicted to be deleterious by in silico analysis. Since supporting evidence is limited at this time, the clinical significance of this alteration remains unclear.

Women's Health and Genetics/Laboratory Corporation of America, LabCorp
Classification: Uncertain significance. Last evaluated: 2024-11-18. Review status: criteria provided, single submitter. Criteria: LabCorp Variant Classification Summary - May 2015. Collection method: clinical testing. Allele origin: germline.
Comment: Variant summary: MYPN c.1012C>T (p.Arg338Cys) results in a non-conservative amino acid change located in the Ig-like domain of the encoded protein sequence. Four of five in-silico tools predict a damaging effect of the variant on protein function. The variant allele was found at a frequency of 5.6e-05 in 251112 control chromosomes. The observed variant frequency is approximately 1 fold of the estimated maximal expected allele frequency for a pathogenic variant in MYPN causing Cardiomyopathy phenotype (5e-05). c.1012C>T has been reported in the literature in at-least one individual affected with Cardiomyopathy (example: Micheu_2020). These report(s) do not provide unequivocal conclusions about association of the variant with Cardiomyopathy. To our knowledge, no experimental evidence demonstrating an impact on protein function has been reported. The following publication has been ascertained in the context of this evaluation (PMID: 33297573). ClinVar contains an entry for this variant (Variation ID: 201882). Based on the evidence outlined above, the variant was classified as VUS-possibly benign.

GeneDx
Classification: Uncertain significance. Last evaluated: 2022-03-16. Review status: criteria provided, single submitter. Criteria: GeneDx Variant Classification Process June 2021. Collection method: clinical testing. Allele origin: germline. Affected: yes.
Comment: In silico analysis supports that this missense variant has a deleterious effect on protein structure/function; This variant is associated with the following publications: (PMID: 26582918, 33297573)

Fulgent Genetics
Classification: Uncertain significance for Dilated cardiomyopathy 1KK; MYPN-related myopathy. Last evaluated: 2021-08-10. Review status: criteria provided, single submitter. Criteria: ACMG Guidelines, 2015. Collection method: clinical testing. Allele origin: unknown.

Clinical Molecular Genetics Laboratory, Johns Hopkins All Children's Hospital
Classification: Uncertain significance for Left ventricular hypertrophy. Last evaluated: 2017-06-22. Review status: no assertion criteria provided. Collection method: clinical testing. Allele origin: germline. Affected: yes. Not counted in ClinVar's aggregate classification.

Clinical Molecular Genetics Laboratory, Johns Hopkins All Children's Hospital
Classification: Uncertain significance for Left ventricular noncompaction cardiomyopathy. Last evaluated: 2016-08-26. Review status: no assertion criteria provided. Collection method: clinical testing. Allele origin: germline. Affected: yes. Not counted in ClinVar's aggregate classification.

Literature cited by the submitters: PubMed 33297573 (cited by 3 submitters); PubMed 29447731 (cited by Ambry Genetics); PubMed 30847666 (cited by Ambry Genetics); PubMed 31110529 (cited by Ambry Genetics).